The following is an entry in ClinVar:

ClinVar aggregate classification (germline): Uncertain significance (1 of 4 stars; one submission).

Conditions:
ESPN-related disorder. Also called: ESPN-related condition.

gnomAD v4.1: 108 of 1,560,234 alleles (0.0069%); highest among the groups gnomAD compares: Non-Finnish European, 0.009%; no homozygotes.

Submission:

PreventionGenetics, part of Exact Sciences
Classification: Uncertain significance for ESPN-related condition. Last evaluated: 2026-03-04. Review status: criteria provided, single submitter. Criteria: ACMG Guidelines, 2015. Collection method: clinical testing. Allele origin: germline.
Comment: The ESPN c.1466T>A variant is predicted to result in the amino acid substitution p.Leu489Gln. To our knowledge, this variant has not been reported in the literature. This variant is reported in 0.0027% of alleles in individuals of European (Non-Finnish) descent in gnomAD. At this time, the clinical significance of this variant is uncertain due to the absence of conclusive functional and genetic evidence.

NM_031475.3(ESPN):c.1466T>A (p.Leu489Gln)

Gene: ESPN (espin; plus strand). Cytogenetic location: 1p36.31.
Variant type: single nucleotide variant.
Coding change: c.1466T>A on transcript NM_031475.3 (MANE Select); coding-DNA position 1466, T replaced by A.
Protein change: p.Leu489Gln; replaces leucine 489 with glutamine.
Molecular consequence: missense variant.
Genome position (GRCh38, 1-based): chr1:6,448,642, T>A. VCF-style: chr1-6448642-T-A. GRCh37 (hg19) VCF-style: chr1-6508702-T-A.
Other names: c.1466T>A, p.Leu489Gln (NM_001367473.1, NM_001367474.1); short protein forms L489Q.
Identifiers: ClinVar variation 4990024 (VCV004990024.1).
Genomic context (GRCh38, chr1:6,448,642, plus strand): 5'-GCGTGGGGGGCGCCTACCGGGCAGGTGCCCGAGCCCCACCGGTCACTGTCTTCCCGCAGC[T>A]GAGCTCCTGTGACGGCCACGACGGGCTGCGGAGGCAGGACTCCAGCCGCAAGCCCCGCGC-3'
Protein context (NP_113663.2, residues 479-499): HVETEALKKE[Leu489Gln]SSCDGHDGLR